The following is an entry in ClinVar:

NM_004048.4(B2M):c.164T>C (p.Ile55Thr)

Gene: B2M (beta-2-microglobulin; plus strand). Cytogenetic location: 15q21.1.
Variant type: single nucleotide variant.
Coding change: c.164T>C on transcript NM_004048.4 (MANE Select); coding-DNA position 164, T replaced by C.
Protein change: p.Ile55Thr; replaces isoleucine 55 with threonine.
Molecular consequence: missense variant.
Genome position (GRCh38, 1-based): chr15:44,715,519, T>C. VCF-style: chr15-44715519-T-C. GRCh37 (hg19) VCF-style: chr15-45007717-T-C.
Other names: short protein forms I55T.
Identifiers: ClinVar variation 3577178 (VCV003577178.3).
Genomic context (GRCh38, chr15:44,715,519, plus strand): 5'-CAGAGAATGGAAAGTCAAATTTCCTGAATTGCTATGTGTCTGGGTTTCATCCATCCGACA[T>C]TGAAGTTGACTTACTGAAGAATGGAGAGAGAATTGAAAAAGTGGAGCATTCAGACTTGTC-3'
Protein context (NP_004039.1, residues 45-65): CYVSGFHPSD[Ile55Thr]EVDLLKNGER

ClinVar aggregate classification (germline): Uncertain significance. Review status: criteria provided, multiple submitters, no conflicts (2 of 4 stars). 2 submissions from 2 submitters: Uncertain significance (2). Last evaluated 2025-08-03.

Conditions:
Amyloidosis, hereditary systemic 6. Identifiers: MedGen C5935573, MONDO:0971010, OMIM 620659.
Hypoproteinemia, hypercatabolic (IMD43). Also called: IMMUNODEFICIENCY 43; BETA-2-MICROGLOBULIN DEFICIENCY; B2M DEFICIENCY; MHC CLASS I DEFICIENCY 4. Identifiers: MedGen C1855796, MONDO:0009434, OMIM 241600.

gnomAD v4.1: 17 of 1,614,078 alleles (0.0011%); highest among the groups gnomAD compares: Admixed American, 0.02%; no homozygotes.

Submissions (2):

Labcorp Genetics (formerly Invitae), Labcorp
Classification: Uncertain significance for Hypoproteinemia, hypercatabolic. Last evaluated: 2025-08-03. Review status: criteria provided, single submitter. Criteria: Invitae Variant Classification Sherloc (09022015). Collection method: clinical testing. Allele origin: germline.
Comment: This sequence change replaces isoleucine, which is neutral and non-polar, with threonine, which is neutral and polar, at codon 55 of the B2M protein (p.Ile55Thr). This variant is present in population databases (rs772710534, gnomAD 0.02%). This variant has not been reported in the literature in individuals affected with B2M-related conditions. ClinVar contains an entry for this variant (Variation ID: 3577178). An algorithm developed to predict the effect of missense changes on protein structure and function (PolyPhen-2) suggests that this variant is likely to be disruptive. In summary, the available evidence is currently insufficient to determine the role of this variant in disease. Therefore, it has been classified as a Variant of Uncertain Significance.

Fulgent Genetics
Classification: Uncertain significance for Hypoproteinemia, hypercatabolic; Amyloidosis, hereditary systemic 6. Last evaluated: 2024-03-21. Review status: criteria provided, single submitter. Criteria: ACMG Guidelines, 2015. Collection method: clinical testing. Allele origin: germline.